The following is an entry in ClinVar:

ClinVar aggregate classification (germline): Uncertain significance. Review status: criteria provided, single submitter (1 of 4 stars). 2 submissions from 1 submitter: Uncertain significance (1). 1 of the submissions does not count toward it. Last evaluated 2024-03-17.

Conditions:
Facial hypotonia. Identifiers: MedGen C1845251, HP:0000297.

Allele frequency attached by ClinVar (database versions not stated): gnomAD exomes below 0.00001 and 0.00001; TOPMed below 0.00001.
gnomAD v4.1: 13 of 1,613,480 alleles (0.00081%); highest among the groups gnomAD compares: Middle Eastern, 0.05%; 1 homozygote.

Submissions (2):

Genomic Medicine Center of Excellence, King Faisal Specialist Hospital and Research Centre
Classification: Uncertain significance. Last evaluated: 2024-03-17. Review status: criteria provided, single submitter. Criteria: ACMG Guidelines, 2015. Collection method: research. Allele origin: germline.

Genomic Medicine Center of Excellence, King Faisal Specialist Hospital and Research Centre
Classification: Uncertain significance for Facial hypotonia. Last evaluated: 2021-04-29. Review status: flagged submission. Collection method: research. Allele origin: germline. Affected: yes. Not counted in ClinVar's aggregate classification.
ClinVar note: Reason: This record appears to be redundant with a more recent record from the same submitter.
ClinVar note: Notes: SCV001870542 appears to be redundant with SCV004805181.

NM_004205.5(USP2):c.550G>A (p.Gly184Arg)

Gene: USP2 (ubiquitin specific peptidase 2; minus strand). Cytogenetic location: 11q23.3.
Variant type: single nucleotide variant.
Coding change: c.550G>A on transcript NM_004205.5 (MANE Select); coding-DNA position 550, G replaced by A.
Protein change: p.Gly184Arg; replaces glycine 184 with arginine.
Molecular consequence: missense variant. On other transcripts: intron variant (1).
Genome position (GRCh38, 1-based): chr11:119,372,931, C>T on the plus strand (G>A on the coding strand, the complement: USP2 is on the minus strand). VCF-style: chr11-119372931-C-T. GRCh37 (hg19) VCF-style: chr11-119243641-C-T.
Other names: c.45+8542G>A (NM_001243759.2); short protein forms G184R.
Identifiers: ClinVar variation 1251997 (VCV001251997.3), dbSNP rs1267216119, ClinGen allele CA382951028.